The following is an entry in ClinVar:

NM_004055.5(CAPN5):c.1769A>T (p.Glu590Val)

Gene: CAPN5 (calpain 5; plus strand). Cytogenetic location: 11q13.5.
Variant type: single nucleotide variant.
Coding change: c.1769A>T on transcript NM_004055.5 (MANE Select); coding-DNA position 1769, A replaced by T.
Protein change: p.Glu590Val; replaces glutamic acid 590 with valine.
Molecular consequence: missense variant.
Genome position (GRCh38, 1-based): chr11:77,123,716, A>T. VCF-style: chr11-77123716-A-T. GRCh37 (hg19) VCF-style: chr11-76834762-A-T.
Other names: c.1889A>T, p.Glu630Val (NM_001425321.1); c.1769A>T, p.Glu590Val (NM_001425322.1); c.1637A>T, p.Glu546Val (NM_001425323.1); short protein forms E546V, E590V, E630V.
Identifiers: ClinVar variation 3009430 (VCV003009430.3), dbSNP rs2496318231, ClinGen allele CA381945056.

ClinVar aggregate classification (germline): Uncertain significance (1 of 4 stars; one submission).

Submission:

Labcorp Genetics (formerly Invitae), Labcorp
Classification: Uncertain significance. Last evaluated: 2024-01-18. Review status: criteria provided, single submitter. Criteria: Invitae Variant Classification Sherloc (09022015). Collection method: clinical testing. Allele origin: germline.
Comment: This sequence change replaces glutamic acid, which is acidic and polar, with valine, which is neutral and non-polar, at codon 590 of the CAPN5 protein (p.Glu590Val). This variant is not present in population databases (gnomAD no frequency). This variant has not been reported in the literature in individuals affected with CAPN5-related conditions. An algorithm developed to predict the effect of missense changes on protein structure and function (PolyPhen-2) suggests that this variant is likely to be disruptive. In summary, the available evidence is currently insufficient to determine the role of this variant in disease. Therefore, it has been classified as a Variant of Uncertain Significance.